The following is an entry in ClinVar:

ClinVar aggregate classification (germline): Uncertain significance (1 of 4 stars; one submission).

Conditions:
Distal hereditary motor neuropathy type 2. Identifiers: Orphanet 139525, MedGen C3711384, MeSH C580044, MONDO:0015352.

Allele frequency attached by ClinVar (database versions not stated): gnomAD 0.00003; TOPMed 0.00003; ESP Exome Variant Server 0.00008.
gnomAD v4.1: 6 of 1,558,262 alleles (0.00039%); highest among the groups gnomAD compares: African/African-American, 0.0082%; no homozygotes.

Submission:

Labcorp Genetics (formerly Invitae), Labcorp
Classification: Uncertain significance for Distal hereditary motor neuropathy type 2. Last evaluated: 2022-12-09. Review status: criteria provided, single submitter. Criteria: Invitae Variant Classification Sherloc (09022015). Collection method: clinical testing. Allele origin: germline.
Comment: In summary, the available evidence is currently insufficient to determine the role of this variant in disease. Therefore, it has been classified as a Variant of Uncertain Significance. Variants that disrupt the consensus splice site are a relatively common cause of aberrant splicing (PMID: 17576681, 9536098). Algorithms developed to predict the effect of sequence changes on RNA splicing suggest that this variant is not likely to affect RNA splicing. This variant has not been reported in the literature in individuals affected with FBXO38-related conditions. This variant is present in population databases (rs369142719, gnomAD 0.01%). This sequence change falls in intron 17 of the FBXO38 gene. It does not directly change the encoded amino acid sequence of the FBXO38 protein. It affects a nucleotide within the consensus splice site.

Literature cited by the submitters: PubMed 17576681; PubMed 9536098.

NM_205836.3(FBXO38):c.2857+3A>G

Gene: FBXO38 (F-box protein 38; plus strand). Cytogenetic location: 5q32.
Variant type: single nucleotide variant.
Coding change: c.2857+3A>G on transcript NM_205836.3 (MANE Select); 3 bases into the intron after coding-DNA position 2857, A replaced by G.
Molecular consequence: intron variant.
Genome position (GRCh38, 1-based): chr5:148,433,740, A>G. VCF-style: chr5-148433740-A-G. GRCh37 (hg19) VCF-style: chr5-147813303-A-G.
Other names: c.2632+3A>G (NM_030793.5); c.2122+3A>G (NM_001271723.2).
Identifiers: ClinVar variation 2966676 (VCV002966676.3), dbSNP rs369142719, ClinGen allele CA3497603.